The following is an entry in ClinVar:

NM_001077350.3(NPRL3):c.1291A>T (p.Thr431Ser)

Genes: HBA-LCR (alpha-globin locus control region; plus strand), NPRL3 (NPR3 like, GATOR1 complex subunit; minus strand). Cytogenetic location: 16p13.3.
Variant type: single nucleotide variant.
Coding change: c.1291A>T on transcript NM_001077350.3 (MANE Select); coding-DNA position 1291, A replaced by T.
Protein change: p.Thr431Ser; replaces threonine 431 with serine.
Molecular consequence: missense variant.
Genome position (GRCh38, 1-based): chr16:89,773, T>A on the plus strand (A>T on the coding strand, the complement: NPRL3 is on the minus strand). VCF-style: chr16-89773-T-A. GRCh37 (hg19) VCF-style: chr16-139771-T-A.
Other names: c.754A>T, p.Thr252Ser (NM_001039476.3); c.1057A>T, p.Thr353Ser (NM_001243247.2); c.1216A>T, p.Thr406Ser (NM_001243248.2, NM_001243249.2); short protein forms T252S, T406S, T431S, T353S.
Identifiers: ClinVar variation 1438805 (VCV001438805.6), dbSNP rs2141902154, ClinGen allele CA394051013.

ClinVar aggregate classification (germline): Uncertain significance (1 of 4 stars; one submission).

Conditions:
Epilepsy, familial focal, with variable foci 3 (FFEVF3). Identifiers: MedGen C4310708, MONDO:0014925, OMIM 617118.

Submission:

Labcorp Genetics (formerly Invitae), Labcorp
Classification: Uncertain significance for Epilepsy, familial focal, with variable foci 3. Last evaluated: 2021-10-10. Review status: criteria provided, single submitter. Criteria: Invitae Variant Classification Sherloc (09022015). Collection method: clinical testing. Allele origin: germline.
Comment: In summary, the available evidence is currently insufficient to determine the role of this variant in disease. Therefore, it has been classified as a Variant of Uncertain Significance. Experimental studies and prediction algorithms are not available or were not evaluated, and the functional significance of this variant is currently unknown. This variant has not been reported in the literature in individuals affected with NPRL3-related conditions. This variant is not present in population databases (ExAC no frequency). This sequence change replaces threonine with serine at codon 431 of the NPRL3 protein (p.Thr431Ser). The threonine residue is weakly conserved and there is a small physicochemical difference between threonine and serine.